The following is an entry in ClinVar:

ClinVar aggregate classification (germline): Uncertain significance. Review status: criteria provided, multiple submitters, no conflicts (2 of 4 stars). 3 submissions from 3 submitters: Uncertain significance (3). Last evaluated 2026-08-17.

Conditions:
ADCY3-related disorder. Also called: ADCY3-related condition.
Inborn genetic diseases. Identifiers: MedGen C0950123, MeSH D030342.

Submissions (3):

PreventionGenetics, part of Exact Sciences
Classification: Uncertain significance for ADCY3-related condition. Last evaluated: 2026-08-17. Review status: criteria provided, single submitter. Criteria: ACMG Guidelines, 2015. Collection method: clinical testing. Allele origin: germline.
Comment: The ADCY3 c.2228C>T variant is predicted to result in the amino acid substitution p.Thr743Met. To our knowledge, this variant has not been reported in the literature. This variant is reported in 0.012% of alleles in individuals of African descent in gnomAD. At this time, the clinical significance of this variant is uncertain due to the absence of conclusive functional and genetic evidence.

Ambry Genetics
Classification: Uncertain significance for Inborn genetic diseases. Last evaluated: 2025-08-01. Review status: criteria provided, single submitter. Criteria: Ambry Variant Classification Scheme 2023. Collection method: clinical testing. Allele origin: germline.

GeneDx
Classification: Uncertain significance. Last evaluated: 2025-07-26. Review status: criteria provided, single submitter. Criteria: GeneDx Variant Classification Process June 2021. Collection method: clinical testing. Allele origin: germline. Affected: yes.
Comment: In silico analysis suggests that this missense variant does not alter protein structure/function; Has not been previously published as pathogenic or benign to our knowledge

NM_004036.5(ADCY3):c.2228C>T (p.Thr743Met)

Gene: ADCY3 (adenylate cyclase 3; minus strand). Cytogenetic location: 2p23.3.
Variant type: single nucleotide variant.
Coding change: c.2228C>T on transcript NM_004036.5 (MANE Select); coding-DNA position 2228, C replaced by T.
Protein change: p.Thr743Met; replaces threonine 743 with methionine.
Molecular consequence: missense variant. On other transcripts: intron variant (2).
Genome position (GRCh38, 1-based): chr2:24,828,106, G>A on the plus strand (C>T on the coding strand, the complement: ADCY3 is on the minus strand). VCF-style: chr2-24828106-G-A. GRCh37 (hg19) VCF-style: chr2-25050975-G-A.
Other names: c.2228C>T (NM_004036.4, NM_004036.3); c.2228C>T, p.Thr743Met (NM_001320613.2, NM_001377132.1); c.2294C>T, p.Thr765Met (NM_001377128.1); c.1505C>T, p.Thr502Met (NM_001377131.1); c.2172+2603C>T (NM_001377130.1); c.2173-83C>T (NM_001377129.1); short protein forms T502M, T743M, T765M.
Identifiers: ClinVar variation 3358559 (VCV003358559.4).